The following is an entry in ClinVar:

NM_003482.4(KMT2D):c.14336G>A (p.Gly4779Glu)

Gene: KMT2D (lysine methyltransferase 2D; minus strand). Cytogenetic location: 12q13.12.
Variant type: single nucleotide variant.
Coding change: c.14336G>A on transcript NM_003482.4 (MANE Select); coding-DNA position 14336, G replaced by A.
Protein change: p.Gly4779Glu; replaces glycine 4779 with glutamic acid.
Molecular consequence: missense variant.
Genome position (GRCh38, 1-based): chr12:49,028,874, C>T on the plus strand (G>A on the coding strand, the complement: KMT2D is on the minus strand). VCF-style: chr12-49028874-C-T. GRCh37 (hg19) VCF-style: chr12-49422657-C-T.
Other names: short protein forms G4779E.
Identifiers: ClinVar variation 1984945 (VCV001984945.6), dbSNP rs1263198421, ClinGen allele CA384696069.

ClinVar aggregate classification (germline): Conflicting classifications of pathogenicity. Review status: criteria provided, conflicting classifications (1 of 4 stars). 3 submissions from 3 submitters: Uncertain significance (2); Likely benign (1). Last evaluated 2025-01-05.

Conditions:
Choanal atresia-athelia-hypothyroidism-delayed puberty-short stature syndrome (BCAHH). Also called: BRANCHIAL ARCH ABNORMALITIES, CHOANAL ATRESIA, ATHELIA, HEARING LOSS, AND HYPOTHYROIDISM SYNDROME. Identifiers: Orphanet 589856, MedGen C5680310, MONDO:0035651, OMIM 620186.
Kabuki syndrome 1 (KABUK1). Also called: KMT2D-Related Kabuki Syndrome. Identifiers: Orphanet 2322, MedGen CN030661, MONDO:0007843, OMIM 147920.
Kabuki syndrome. Also called: Kabuki make-up syndrome; NIIKAWA-KUROKI SYNDROME. Identifiers: Orphanet 2322, MedGen C0796004, MONDO:0016512.
KMT2D-related disorder. Also called: KMT2D-Related Disorders.

Allele frequency attached by ClinVar (database versions not stated): gnomAD 0.00001; TOPMed 0.00002.
gnomAD v4.1: 4 of 1,613,922 alleles (0.00025%); highest among the groups gnomAD compares: African/African-American, 0.004%; no homozygotes.

Submissions (3):

PreventionGenetics, part of Exact Sciences
Classification: Uncertain significance for KMT2D-related condition. Last evaluated: 2025-01-05. Review status: criteria provided, single submitter. Criteria: ACMG Guidelines, 2015. Collection method: clinical testing. Allele origin: germline.
Comment: The KMT2D c.14336G>A variant is predicted to result in the amino acid substitution p.Gly4779Glu. To our knowledge, this variant has not been reported in the literature or in a large population database (gnomAD), indicating this variant is rare. At this time, the clinical significance of this variant is uncertain due to the absence of conclusive functional and genetic evidence.

Fulgent Genetics
Classification: Uncertain significance for Kabuki syndrome 1; Choanal atresia-athelia-hypothyroidism-delayed puberty-short stature syndrome. Last evaluated: 2024-02-04. Review status: criteria provided, single submitter. Criteria: ACMG Guidelines, 2015. Collection method: clinical testing. Allele origin: germline.

Labcorp Genetics (formerly Invitae), Labcorp
Classification: Likely benign for Kabuki syndrome. Last evaluated: 2023-12-15. Review status: criteria provided, single submitter. Criteria: Invitae Variant Classification Sherloc (09022015). Collection method: clinical testing. Allele origin: germline.